The following is an entry in ClinVar:

NM_001127222.2(CACNA1A):c.5999G>C (p.Gly2000Ala)

Gene: CACNA1A (calcium voltage-gated channel subunit alpha1 A; minus strand). Cytogenetic location: 19p13.13.
Variant type: single nucleotide variant.
Coding change: c.5999G>C on transcript NM_001127222.2 (MANE Select); coding-DNA position 5999, G replaced by C.
Protein change: p.Gly2000Ala; replaces glycine 2000 with alanine.
Molecular consequence: missense variant.
Genome position (GRCh38, 1-based): chr19:13,212,682, C>G on the plus strand (G>C on the coding strand, the complement: CACNA1A is on the minus strand). VCF-style: chr19-13212682-C-G. GRCh37 (hg19) VCF-style: chr19-13323496-C-G.
Other names: c.6017G>C, p.Gly2006Ala (NM_000068.4, NM_023035.3); c.6002G>C, p.Gly2001Ala (NM_001127221.2); c.6008G>C, p.Gly2003Ala (NM_001174080.2); c.6002G>C (NM_001127221.1); short protein forms G2006A, G2000A, G2003A, G2001A.
Identifiers: ClinVar variation 1416066 (VCV001416066.7), dbSNP rs1303685302, ClinGen allele CA404333498.

ClinVar aggregate classification (germline): Uncertain significance. Review status: criteria provided, multiple submitters, no conflicts (2 of 4 stars). 2 submissions from 2 submitters: Uncertain significance (2). Last evaluated 2024-07-16.

Conditions:
Episodic ataxia type 2 (EA2). Also called: ATAXIA, EPISODIC, WITH NYSTAGMUS; ATAXIA, FAMILIAL PAROXYSMAL; CEREBELLAR ATAXIA, PAROXYSMAL, ACETAZOLAMIDE-RESPONSIVE; CEREBELLOPATHY, HEREDITARY PAROXYSMAL; EPISODIC ATAXIA, NYSTAGMUS-ASSOCIATED; ACETAZOLAMIDE-RESPONSIVE HEREDITARY PAROXYSMAL CEREBELLAR ATAXIA. Identifiers: Orphanet 97, MedGen C1720416, MONDO:0007163, OMIM 108500.
Developmental and epileptic encephalopathy, 42 (DEE42A). Also called: Epileptic encephalopathy, early infantile, 42; DEVELOPMENTAL AND EPILEPTIC ENCEPHALOPATHY 42A; EPILEPTIC ENCEPHALOPATHY, EARLY INFANTILE, 42A. Identifiers: MedGen C4310716, MONDO:0014917, OMIM 617106.

Allele frequency attached by ClinVar (database versions not stated): gnomAD 0.00001; TOPMed 0.00001.

Submissions (2):

GeneDx
Classification: Uncertain significance. Last evaluated: 2024-07-16. Review status: criteria provided, single submitter. Criteria: GeneDx Variant Classification Process June 2021. Collection method: clinical testing. Allele origin: germline. Affected: yes.
Comment: Not observed at significant frequency in large population cohorts (gnomAD); In silico analysis indicates that this missense variant does not alter protein structure/function; Has not been previously published as pathogenic or benign to our knowledge

Labcorp Genetics (formerly Invitae), Labcorp
Classification: Uncertain significance for Developmental and epileptic encephalopathy, 42; Episodic ataxia type 2. Last evaluated: 2021-11-09. Review status: criteria provided, single submitter. Criteria: Invitae Variant Classification Sherloc (09022015). Collection method: clinical testing. Allele origin: germline.
Comment: In summary, the available evidence is currently insufficient to determine the role of this variant in disease. Therefore, it has been classified as a Variant of Uncertain Significance. Advanced modeling of protein sequence and biophysical properties (such as structural, functional, and spatial information, amino acid conservation, physicochemical variation, residue mobility, and thermodynamic stability) performed at Invitae indicates that this missense variant is not expected to disrupt CACNA1A protein function. This variant has not been reported in the literature in individuals affected with CACNA1A-related conditions. This variant is not present in population databases (gnomAD no frequency). This sequence change replaces glycine, which is neutral and non-polar, with alanine, which is neutral and non-polar, at codon 2001 of the CACNA1A protein (p.Gly2001Ala).